The following is an entry in ClinVar:

NM_001103.4(ACTN2):c.2582A>G (p.Tyr861Cys)

Gene: ACTN2 (actinin alpha 2; plus strand). Cytogenetic location: 1q43.
Variant type: single nucleotide variant.
Coding change: c.2582A>G on transcript NM_001103.4 (MANE Select); coding-DNA position 2582, A replaced by G.
Protein change: p.Tyr861Cys; replaces tyrosine 861 with cysteine.
Molecular consequence: missense variant. On other transcripts: non-coding transcript variant (1).
Genome position (GRCh38, 1-based): chr1:236,762,516, A>G. VCF-style: chr1-236762516-A-G. GRCh37 (hg19) VCF-style: chr1-236925816-A-G.
Other names: c.2582A>G, p.Tyr861Cys (NM_001278343.2); short protein forms Y861C.
Identifiers: ClinVar variation 4222033 (VCV004222033.1).

ClinVar aggregate classification (germline): Uncertain significance (1 of 4 stars; one submission).

Conditions:
Cardiovascular phenotype. Identifiers: MedGen CN230736.

Submission:

Ambry Genetics
Classification: Uncertain significance for Cardiovascular phenotype. Last evaluated: 2025-09-04. Review status: criteria provided, single submitter. Criteria: Ambry Variant Classification Scheme 2023. Collection method: clinical testing. Allele origin: germline.
Comment: The p.Y861C variant (also known as c.2582A>G), located in coding exon 21 of the ACTN2 gene, results from an A to G substitution at nucleotide position 2582. The tyrosine at codon 861 is replaced by cysteine, an amino acid with highly dissimilar properties. This amino acid position is conserved. In addition, this alteration is predicted to be deleterious by in silico analysis. Based on the available evidence, the clinical significance of this variant remains unclear.